The following is an entry in ClinVar:

ClinVar aggregate classification (germline): Uncertain significance (1 of 4 stars; one submission).

Submission:

Genetic Services Laboratory, University of Chicago
Classification: Uncertain significance. Last evaluated: 2019-12-20. Review status: criteria provided, single submitter. Criteria: ACMG Guidelines, 2015. Collection method: clinical testing. Allele origin: germline. Affected: no.
Comment: DNA sequence analysis of the SLX4 gene demonstrated a sequence change, c.4374G>A, in exon 12 that results in an amino acid change, p.Met1458Ile. This sequence change does not appear to have been previously described in patients with SLX4-related disorders and has also not been described in population databases (gnomAD, ExAC). The p.Met1458Ile change affects a poorly conserved amino acid residue located in a domain of the SLX4 protein that is not known to be functional. The p.Met1458Ile substitution appears to be benign using several in-silico pathogenicity prediction tools (SIFT, PolyPhen2, Align GVGD, REVEL). Due to these contrasting evidences and the lack of functional studies, the clinical significance of the p.Met1458Ile change remains unknown at this time.

NM_032444.4(SLX4):c.4374G>A (p.Met1458Ile)

Gene: SLX4 (SLX4 structure-specific endonuclease subunit; minus strand). Cytogenetic location: 16p13.3.
Variant type: single nucleotide variant.
Coding change: c.4374G>A on transcript NM_032444.4 (MANE Select); coding-DNA position 4374, G replaced by A.
Protein change: p.Met1458Ile; replaces methionine 1458 with isoleucine.
Molecular consequence: missense variant.
Genome position (GRCh38, 1-based): chr16:3,589,264, C>T on the plus strand (G>A on the coding strand, the complement: SLX4 is on the minus strand). VCF-style: chr16-3589264-C-T. GRCh37 (hg19) VCF-style: chr16-3639265-C-T.
Other names: short protein forms M1458I.
Identifiers: ClinVar variation 1337459 (VCV001337459.4), dbSNP rs1168844302, ClinGen allele CA394517267.
Genomic context (GRCh38, chr16:3,589,264, plus strand): 5'-GATGGGGGTGGTGTCCAGGAGTCCCGGGGAGCGACAGTCACGGCTGTCGGCGGCCTCGTT[C>T]ATCCTGCGGCTGGGGCTGCTGGTGCTCAGGGGGCCGGTCCGCTCCAGGTTCCAGTGGTCA-3'
Protein context (NP_115820.2, residues 1448-1468): PLSTSSPSRR[Met1458Ile]NEAADSRDCR